The following is an entry in ClinVar:

ClinVar aggregate classification (germline): Conflicting classifications of pathogenicity. Review status: criteria provided, conflicting classifications (1 of 4 stars). 4 submissions from 4 submitters: Uncertain significance (1); Likely benign (2). 1 of the submissions does not count toward it. Last evaluated 2024-10-17.

Conditions:
Baraitser-winter syndrome 2. Identifiers: Orphanet 2995, MedGen C3281235, MONDO:0013812, OMIM 614583.
Autosomal dominant nonsyndromic hearing loss 20. Identifiers: Orphanet 90635, MedGen C1858172, MONDO:0011480, OMIM 604717.
ACTG1-related disorder. Also called: ACTG1-related condition; ACTG1-related disorders.

Allele frequency attached by ClinVar (database versions not stated): gnomAD 0.00001; ExAC 0.00002; gnomAD exomes 0.00003; TOPMed 0.00004; ESP Exome Variant Server 0.00008.
gnomAD v4.1: 46 of 1,613,558 alleles (0.0029%); highest among the groups gnomAD compares: South Asian, 0.016%; no homozygotes.

Submissions (4):

Labcorp Genetics (formerly Invitae), Labcorp
Classification: Likely benign for Baraitser-winter syndrome 2; Autosomal dominant nonsyndromic hearing loss 20. Last evaluated: 2024-10-17. Review status: criteria provided, single submitter. Criteria: Invitae Variant Classification Sherloc (09022015). Collection method: clinical testing. Allele origin: germline.

Fulgent Genetics
Classification: Uncertain significance for Autosomal dominant nonsyndromic hearing loss 20; Baraitser-winter syndrome 2. Last evaluated: 2024-03-14. Review status: criteria provided, single submitter. Criteria: ACMG Guidelines, 2015. Collection method: clinical testing. Allele origin: germline.

GeneDx
Classification: Likely benign. Last evaluated: 2018-10-01. Review status: criteria provided, single submitter. Criteria: GeneDx Variant Classification Process June 2021. Collection method: clinical testing. Allele origin: germline. Affected: yes.

PreventionGenetics, part of Exact Sciences
Classification: Likely benign for ACTG1-related condition. Last evaluated: 2024-08-09. Review status: no assertion criteria provided. Collection method: clinical testing. Allele origin: germline. Not counted in ClinVar's aggregate classification.
Comment: This variant is classified as likely benign based on ACMG/AMP sequence variant interpretation guidelines (Richards et al. 2015 PMID: 25741868, with internal and published modifications).

NM_001614.5(ACTG1):c.138C>T (p.Gly46=)

Gene: ACTG1 (actin gamma 1; minus strand). Cytogenetic location: 17q25.3.
Variant type: single nucleotide variant.
Coding change: c.138C>T on transcript NM_001614.5 (MANE Select); coding-DNA position 138, C replaced by T.
Protein change: p.Gly46=; no amino-acid change (glycine 46 retained).
Molecular consequence: synonymous variant. On other transcripts: non-coding transcript variant (1).
Genome position (GRCh38, 1-based): chr17:81,512,128, G>A on the plus strand (C>T on the coding strand, the complement: ACTG1 is on the minus strand). VCF-style: chr17-81512128-G-A. GRCh37 (hg19) VCF-style: chr17-79479154-G-A.
Other names: c.138C>T, p.Gly46= (NM_001199954.3).
Identifiers: ClinVar variation 1198753 (VCV001198753.10), dbSNP rs374907377, ClinGen allele CA8836340.